The following is an entry in ClinVar:

NM_000548.5(TSC2):c.4415del (p.Gly1472fs)

Gene: TSC2 (TSC complex subunit 2; plus strand). Cytogenetic location: 16p13.3.
Variant type: Deletion.
Coding change: c.4415del on transcript NM_000548.5 (MANE Select); coding-DNA position 4415, one base deleted (G; older notation c.4415delG).
Protein change: p.Gly1472fs; shifts the reading frame from glycine 1472.
Molecular consequence: frameshift variant.
Genome position (GRCh38, 1-based): chr16:2,084,637, G deleted; the last of 4 consecutive G bases (chr16:2,084,634-2,084,637); deleting any one gives the same sequence. VCF-style (leftmost placement, unchanged base first): chr16-2084633-AG-A. GRCh37 (hg19) VCF-style: chr16-2134634-AG-A.
Other names: c.4214del, p.Gly1405fs (NM_001077183.3); c.4346del, p.Gly1449fs (NM_001114382.3); c.4106del, p.Gly1369fs (NM_001318827.2); c.4070del, p.Gly1357fs (NM_001318829.2); c.3683del, p.Gly1228fs (NM_001318831.2); c.4247del, p.Gly1416fs (NM_001318832.2); c.4217del, p.Gly1406fs (NM_001363528.2); c.4283del, p.Gly1428fs (NM_001370404.1); and 1 more; short protein forms G1416fs, G1357fs, G1369fs, G1405fs, G1406fs, G1428fs, G1472fs, G1228fs.
Identifiers: ClinVar variation 196884 (VCV000196884.8), dbSNP rs794727573, ClinGen allele CA020415.

ClinVar aggregate classification (germline): Pathogenic. Review status: criteria provided, multiple submitters, no conflicts (2 of 4 stars). 3 submissions from 3 submitters: Pathogenic (3). Last evaluated 2025-07-20.

Conditions:
TSC2-related disorder. Also called: TSC2-Related Disorders; TSC2-related condition.
Tuberous sclerosis 2 (TSC2). Identifiers: Orphanet 805, MedGen C1860707, MONDO:0013199, OMIM 613254.

Submissions (3):

Labcorp Genetics (formerly Invitae), Labcorp
Classification: Pathogenic for Tuberous sclerosis 2. Last evaluated: 2025-07-20. Review status: criteria provided, single submitter. Criteria: Invitae Variant Classification Sherloc (09022015). Collection method: clinical testing. Allele origin: germline.
Comment: This sequence change creates a premature translational stop signal (p.Gly1472Alafs*4) in the TSC2 gene. It is expected to result in an absent or disrupted protein product. Loss-of-function variants in TSC2 are known to be pathogenic (PMID: 10205261, 17304050). This variant is not present in population databases (gnomAD no frequency). This premature translational stop signal has been observed in individual(s) with epilepsy (PMID: 29056246). ClinVar contains an entry for this variant (Variation ID: 196884). For these reasons, this variant has been classified as Pathogenic.

Blueprint Genetics
Classification: Pathogenic for TSC2-related disorders. Last evaluated: 2023-04-03. Review status: criteria provided, single submitter. Criteria: ACMG Guidelines, 2015. Collection method: clinical testing. Allele origin: de novo. Affected: yes. Observed: 1 variant allele.

Eurofins Ntd Llc (ga)
Classification: Pathogenic. Last evaluated: 2014-06-03. Review status: criteria provided, single submitter. Criteria: EGL Classification Definitions 2015. Collection method: clinical testing. Allele origin: germline. Observed: 1 variant allele, 1 heterozygote.

Literature cited by the submitters: PubMed 10205261 (cited by Labcorp Genetics (formerly Invitae), Labcorp); PubMed 17304050 (cited by Labcorp Genetics (formerly Invitae), Labcorp); PubMed 29056246 (cited by Labcorp Genetics (formerly Invitae), Labcorp).